The following is an entry in ClinVar:

ClinVar aggregate classification (germline): Uncertain significance (1 of 4 stars; one submission).

Conditions:
Werner syndrome (WRN). Identifiers: Orphanet 902, MedGen C0043119, MONDO:0010196, OMIM 277700.

Submission:

Labcorp Genetics (formerly Invitae), Labcorp
Classification: Uncertain significance for Werner syndrome. Last evaluated: 2022-06-29. Review status: criteria provided, single submitter. Criteria: Invitae Variant Classification Sherloc (09022015). Collection method: clinical testing. Allele origin: germline.
Comment: This variant has not been reported in the literature in individuals affected with WRN-related conditions. Algorithms developed to predict the effect of missense changes on protein structure and function output the following: SIFT: "Not Available"; PolyPhen-2: "Benign"; Align-GVGD: "Not Available". The alanine amino acid residue is found in multiple mammalian species, which suggests that this missense change does not adversely affect protein function. In summary, the available evidence is currently insufficient to determine the role of this variant in disease. Therefore, it has been classified as a Variant of Uncertain Significance. This variant is not present in population databases (gnomAD no frequency). This sequence change replaces threonine, which is neutral and polar, with alanine, which is neutral and non-polar, at codon 793 of the WRN protein (p.Thr793Ala).

NM_000553.6(WRN):c.2377A>G (p.Thr793Ala)

Gene: WRN (WRN RecQ like helicase; plus strand). Cytogenetic location: 8p12.
Variant type: single nucleotide variant.
Coding change: c.2377A>G on transcript NM_000553.6 (MANE Select); coding-DNA position 2377, A replaced by G.
Protein change: p.Thr793Ala; replaces threonine 793 with alanine.
Molecular consequence: missense variant.
Genome position (GRCh38, 1-based): chr8:31,116,457, A>G. VCF-style: chr8-31116457-A-G. GRCh37 (hg19) VCF-style: chr8-30973973-A-G.
Other names: short protein forms T793A.
Identifiers: ClinVar variation 1982424 (VCV001982424.4), dbSNP rs2535978638, ClinGen allele CA370913710.
Genomic context (GRCh38, chr8:31,116,457, plus strand): 5'-TCTAGAAAAATGACACAACAAGTTACAGGTGAACTTAGGAAACTGAATCTATCCTGTGGA[A>G]CATACCATGCGGGCATGAGTTTTAGCACAAGGAAAGACATTCATCATAGGTTTGTAAGAG-3'
Protein context (NP_000544.2, residues 783-803): ELRKLNLSCG[Thr793Ala]YHAGMSFSTR